The following is an entry in ClinVar:

NM_032119.4(ADGRV1):c.11947G>A (p.Ala3983Thr)

Gene: ADGRV1 (adhesion G protein-coupled receptor V1; plus strand). Cytogenetic location: 5q14.3.
Variant type: single nucleotide variant.
Coding change: c.11947G>A on transcript NM_032119.4 (MANE Select); coding-DNA position 11947, G replaced by A.
Protein change: p.Ala3983Thr; replaces alanine 3983 with threonine.
Molecular consequence: missense variant. On other transcripts: non-coding transcript variant (1).
Genome position (GRCh38, 1-based): chr5:90,759,415, G>A. VCF-style: chr5-90759415-G-A. GRCh37 (hg19) VCF-style: chr5-90055232-G-A.
Other names: short protein forms A3983T.
Identifiers: ClinVar variation 1056976 (VCV001056976.14), dbSNP rs774167945, ClinGen allele CA3341099.

ClinVar aggregate classification (germline): Conflicting classifications of pathogenicity. Review status: criteria provided, conflicting classifications (1 of 4 stars). 3 submissions from 3 submitters: Uncertain significance (2); Likely benign (1). Last evaluated 2023-05-26.

Conditions:
Inborn genetic diseases. Identifiers: MedGen C0950123, MeSH D030342.

Allele frequency attached by ClinVar (database versions not stated): gnomAD exomes 0.00001; TOPMed 0.00002.
gnomAD v4.1: 5 of 1,552,672 alleles (0.00032%); highest among the groups gnomAD compares: Admixed American, 0.0078%; no homozygotes.

Submissions (3):

Labcorp Genetics (formerly Invitae), Labcorp
Classification: Likely benign. Last evaluated: 2023-05-26. Review status: criteria provided, single submitter. Criteria: Invitae Variant Classification Sherloc (09022015). Collection method: clinical testing. Allele origin: germline.

Ambry Genetics
Classification: Uncertain significance for Inborn genetic diseases. Last evaluated: 2021-09-16. Review status: criteria provided, single submitter. Criteria: Ambry Variant Classification Scheme 2023. Collection method: clinical testing. Allele origin: germline.

GeneDx
Classification: Uncertain significance. Last evaluated: 2019-09-30. Review status: criteria provided, single submitter. Criteria: GeneDx Variant Classification Process June 2021. Collection method: clinical testing. Allele origin: germline. Affected: yes.
Comment: Not observed at a significant frequency in large population cohorts (Lek et al., 2016); In silico analysis, which includes protein predictors and evolutionary conservation, supports that this variant does not alter protein structure/function; Has not been previously published as pathogenic or benign to our knowledge